The following is an entry in ClinVar:

NM_005257.6(GATA6):c.886G>T (p.Gly296Cys)

Gene: GATA6 (GATA binding protein 6; plus strand). Cytogenetic location: 18q11.2.
Variant type: single nucleotide variant.
Coding change: c.886G>T on transcript NM_005257.6 (MANE Select); coding-DNA position 886, G replaced by T.
Protein change: p.Gly296Cys; replaces glycine 296 with cysteine.
Molecular consequence: missense variant.
Genome position (GRCh38, 1-based): chr18:22,172,030, G>T. VCF-style: chr18-22172030-G-T. GRCh37 (hg19) VCF-style: chr18-19751991-G-T.
Other names: c.886G>T (NM_005257.4); short protein forms G296C.
Identifiers: ClinVar variation 2729463 (VCV002729463.5), dbSNP rs1214780008, ClinGen allele CA401801253.

ClinVar aggregate classification (germline): Uncertain significance. Review status: criteria provided, multiple submitters, no conflicts (2 of 4 stars). 2 submissions from 2 submitters: Uncertain significance (2). Last evaluated 2025-12-22.

Conditions:
Atrioventricular septal defect 5 (AVSD5). Identifiers: MedGen C3280939, MONDO:0013769, OMIM 614474.

Allele frequency attached by ClinVar (database versions not stated): gnomAD 0.00001.
gnomAD v4.1: 16 of 1,249,500 alleles (0.0013%); highest among the groups gnomAD compares: African/African-American, 0.0016%; no homozygotes.

Submissions (2):

GeneDx
Classification: Uncertain significance. Last evaluated: 2025-12-22. Review status: criteria provided, single submitter. Criteria: GeneDx Variant Classification Process June 2021. Collection method: clinical testing. Allele origin: germline.
Comment: Not observed at significant frequency in large population cohorts (gnomAD); In silico analysis suggests that this missense variant does not alter protein structure/function; Has not been previously published as pathogenic or benign to our knowledge

Labcorp Genetics (formerly Invitae), Labcorp
Classification: Uncertain significance for Atrioventricular septal defect 5. Last evaluated: 2025-06-09. Review status: criteria provided, single submitter. Criteria: Invitae Variant Classification Sherloc (09022015). Collection method: clinical testing. Allele origin: germline.
Comment: This sequence change replaces glycine, which is neutral and non-polar, with cysteine, which is neutral and slightly polar, at codon 296 of the GATA6 protein (p.Gly296Cys). This variant is not present in population databases (gnomAD no frequency). This variant has not been reported in the literature in individuals affected with GATA6-related conditions. ClinVar contains an entry for this variant (Variation ID: 2729463). Invitae Evidence Modeling of protein sequence and biophysical properties (such as structural, functional, and spatial information, amino acid conservation, physicochemical variation, residue mobility, and thermodynamic stability) has been performed for this missense variant. However, the output from this modeling did not meet the statistical confidence thresholds required to predict the impact of this variant on GATA6 protein function. In summary, the available evidence is currently insufficient to determine the role of this variant in disease. Therefore, it has been classified as a Variant of Uncertain Significance.